The following is an entry in ClinVar:

ClinVar aggregate classification (germline): Uncertain significance (1 of 4 stars; one submission).

Conditions:
Immunodeficiency 104. Also called: SCID, AUTOSOMAL RECESSIVE, T CELL-NEGATIVE, B CELL-POSITIVE, NK CELL-POSITIVE; Severe Combined Immune Deficiency, Autosomal Recessive, TCell -Negative, B Cell-Positive, NK Cell-Positive, IL7R-Related; IMMUNODEFICIENCY 104, SEVERE COMBINED; Severe combined immunodeficiency, autosomal recessive, T cell-negative, B cell-positive, NK cell-positive. Identifiers: MedGen C5676890, MONDO:0012163, OMIM 608971.

Allele frequency attached by ClinVar (database versions not stated): TOPMed 0.00001; ExAC 0.00002; gnomAD 0.00002; gnomAD exomes 0.00002.
gnomAD v4.1: 15 of 1,613,868 alleles (0.00093%); highest among the groups gnomAD compares: Admixed American, 0.02%; no homozygotes.

Submission:

Labcorp Genetics (formerly Invitae), Labcorp
Classification: Uncertain significance for Immunodeficiency 104. Last evaluated: 2021-08-31. Review status: criteria provided, single submitter. Criteria: Invitae Variant Classification Sherloc (09022015). Collection method: clinical testing. Allele origin: germline.
Comment: This sequence change replaces glutamine with lysine at codon 307 of the IL7R protein (p.Gln307Lys). The glutamine residue is highly conserved and there is a small physicochemical difference between glutamine and lysine. This variant is present in population databases (rs751073911, ExAC 0.03%). This variant has not been reported in the literature in individuals affected with IL7R-related conditions. Algorithms developed to predict the effect of missense changes on protein structure and function are either unavailable or do not agree on the potential impact of this missense change (SIFT: "Tolerated"; PolyPhen-2: "Possibly Damaging"; Align-GVGD: "Class C0"). In summary, the available evidence is currently insufficient to determine the role of this variant in disease. Therefore, it has been classified as a Variant of Uncertain Significance.

NM_002185.5(IL7R):c.919C>A (p.Gln307Lys)

Gene: IL7R (interleukin 7 receptor; plus strand). Cytogenetic location: 5p13.2.
Variant type: single nucleotide variant.
Coding change: c.919C>A on transcript NM_002185.5 (MANE Select); coding-DNA position 919, C replaced by A.
Protein change: p.Gln307Lys; replaces glutamine 307 with lysine.
Molecular consequence: missense variant. On other transcripts: non-coding transcript variant (1).
Genome position (GRCh38, 1-based): chr5:35,876,025, C>A. VCF-style: chr5-35876025-C-A. GRCh37 (hg19) VCF-style: chr5-35876127-C-A.
Other names: short protein forms Q307K.
Identifiers: ClinVar variation 952768 (VCV000952768.7), dbSNP rs751073911, ClinGen allele CA3232161.
Genomic context (GRCh38, chr5:35,876,025, plus strand): 5'-TCTCCTTTTTCTGTGCAGAATTTAAATGTGAGTTTCAATCCTGAAAGTTTCCTGGACTGC[C>A]AGATTCATAGGGTGGATGACATTCAAGCTAGAGATGAAGTGGAAGGTTTTCTGCAAGATA-3'
Protein context (NP_002176.2, residues 297-317): SFNPESFLDC[Gln307Lys]IHRVDDIQAR